The following is an entry in ClinVar:

ClinVar aggregate classification (germline): Uncertain significance. Review status: criteria provided, multiple submitters, no conflicts (2 of 4 stars). 2 submissions from 2 submitters: Uncertain significance (2). Last evaluated 2021-10-04.

Conditions:
Hereditary cancer-predisposing syndrome. Also called: Neoplastic Syndromes, Hereditary; Hereditary Cancer Syndrome; Tumor predisposition; Hereditary neoplastic syndrome. Identifiers: Orphanet 140162, MedGen C0027672, MeSH D009386, MONDO:0015356.
Familial adenomatous polyposis 1 (FAP1). Also called: POLYPOSIS, ADENOMATOUS INTESTINAL; FAMILIAL ADENOMATOUS POLYPOSIS 1, ATTENUATED. Identifiers: MedGen C2713442, MONDO:0021056, OMIM 175100. Disease mechanism: loss of function.

Submissions (2):

Ambry Genetics
Classification: Uncertain significance for Hereditary cancer-predisposing syndrome. Last evaluated: 2021-10-04. Review status: criteria provided, single submitter. Criteria: Ambry Variant Classification Scheme 2023. Collection method: clinical testing. Allele origin: germline.
Comment: The p.Q2727L variant (also known as c.8180A>T), located in coding exon 15 of the APC gene, results from an A to T substitution at nucleotide position 8180. The glutamine at codon 2727 is replaced by leucine, an amino acid with dissimilar properties. This amino acid position is well conserved in available vertebrate species. In addition, in silico predictors for this gene do not accurately predict pathogenicity. Since supporting evidence is limited at this time, the clinical significance of this alteration remains unclear.

Labcorp Genetics (formerly Invitae), Labcorp
Classification: Uncertain significance for Familial adenomatous polyposis 1. Last evaluated: 2021-02-04. Review status: criteria provided, single submitter. Criteria: Invitae Variant Classification Sherloc (09022015). Collection method: clinical testing. Allele origin: germline.
Comment: This sequence change replaces glutamine with leucine at codon 2727 of the APC protein (p.Gln2727Leu). The glutamine residue is highly conserved and there is a moderate physicochemical difference between glutamine and leucine. This variant is not present in population databases (ExAC no frequency). This variant has not been reported in the literature in individuals with APC-related conditions. Algorithms developed to predict the effect of missense changes on protein structure and function are either unavailable or do not agree on the potential impact of this missense change (SIFT: "Tolerated"; PolyPhen-2: "Possibly Damaging"; Align-GVGD: "Class C0"). In summary, the available evidence is currently insufficient to determine the role of this variant in disease. Therefore, it has been classified as a Variant of Uncertain Significance.

NM_000038.6(APC):c.8180A>T (p.Gln2727Leu)

Gene: APC (APC regulator of Wnt signaling pathway; plus strand). Cytogenetic location: 5q22.2.
Variant type: single nucleotide variant.
Coding change: c.8180A>T on transcript NM_000038.6 (MANE Select); coding-DNA position 8180, A replaced by T.
Protein change: p.Gln2727Leu; replaces glutamine 2727 with leucine.
Molecular consequence: missense variant.
Genome position (GRCh38, 1-based): chr5:112,843,774, A>T. VCF-style: chr5-112843774-A-T. GRCh37 (hg19) VCF-style: chr5-112179471-A-T.
Other names: c.8180A>T, p.Gln2727Leu (NM_001127510.3, NM_001354895.2); c.8126A>T, p.Gln2709Leu (NM_001127511.3); c.8234A>T, p.Gln2745Leu (NM_001354896.2); c.8210A>T, p.Gln2737Leu (NM_001354897.2); c.8105A>T, p.Gln2702Leu (NM_001354898.2); c.8096A>T, p.Gln2699Leu (NM_001354899.2); c.8057A>T, p.Gln2686Leu (NM_001354900.2); c.8003A>T, p.Gln2668Leu (NM_001354901.2); and 5 more; short protein forms Q2636L, Q2727L, Q2745L, Q2567L, Q2601L, Q2668L, Q2699L, Q2702L.
Identifiers: ClinVar variation 943763 (VCV000943763.13), dbSNP rs1766672407, ClinGen allele CA16039090.